The following is an entry in ClinVar:

ClinVar aggregate classification (germline): Uncertain significance. Review status: criteria provided, multiple submitters, no conflicts (2 of 4 stars). 2 submissions from 2 submitters: Uncertain significance (2). Last evaluated 2024-07-18.

Conditions:
Hereditary cancer-predisposing syndrome. Also called: Tumor predisposition; Hereditary Cancer Syndrome; Hereditary neoplastic syndrome; Neoplastic Syndromes, Hereditary. Identifiers: Orphanet 140162, MedGen C0027672, MeSH D009386, MONDO:0015356.
POLD1-related polyposis and colorectal cancer syndrome (CRCS10). Also called: Colorectal cancer 10; COLORECTAL CANCER, SUSCEPTIBILITY TO, ON CHROMOSOME 19q; Colorectal cancer, susceptibility to, 10. Identifiers: Orphanet 220460, MedGen C2675481, MONDO:0012953, OMIM 612591.

Allele frequency attached by ClinVar (database versions not stated): gnomAD exomes below 0.00001.
gnomAD v4.1: 1 of 1,606,924 alleles (0.000062%); highest among the groups gnomAD compares: Non-Finnish European, 0.000085%; no homozygotes.

Submissions (2):

Ambry Genetics
Classification: Uncertain significance for Hereditary cancer-predisposing syndrome. Last evaluated: 2024-07-18. Review status: criteria provided, single submitter. Criteria: Ambry Variant Classification Scheme 2023. Collection method: clinical testing. Allele origin: germline.
Comment: The p.F1051L variant (also known as c.3153C>G), located in coding exon 25 of the POLD1 gene, results from a C to G substitution at nucleotide position 3153. The phenylalanine at codon 1051 is replaced by leucine, an amino acid with highly similar properties. This amino acid position is conserved. In addition, this alteration is predicted to be tolerated by in silico analysis. Since supporting evidence is limited at this time, the clinical significance of this alteration remains unclear.

Labcorp Genetics (formerly Invitae), Labcorp
Classification: Uncertain significance for POLD1-related polyposis and colorectal cancer syndrome. Last evaluated: 2020-08-20. Review status: criteria provided, single submitter. Criteria: Invitae Variant Classification Sherloc (09022015). Collection method: clinical testing. Allele origin: germline.
Comment: Algorithms developed to predict the effect of missense changes on protein structure and function are either unavailable or do not agree on the potential impact of this missense change (SIFT: "Deleterious"; PolyPhen-2: "Probably Damaging"; Align-GVGD: "Class C0"). In summary, the available evidence is currently insufficient to determine the role of this variant in disease. Therefore, it has been classified as a Variant of Uncertain Significance. This variant has not been reported in the literature in individuals with POLD1-related conditions. This variant is not present in population databases (ExAC no frequency). This sequence change replaces phenylalanine with leucine at codon 1051 of the POLD1 protein (p.Phe1051Leu). The phenylalanine residue is moderately conserved and there is a small physicochemical difference between phenylalanine and leucine.

NM_002691.4(POLD1):c.3153C>G (p.Phe1051Leu)

Gene: POLD1 (DNA polymerase delta 1, catalytic subunit; plus strand). Cytogenetic location: 19q13.33.
Variant type: single nucleotide variant.
Coding change: c.3153C>G on transcript NM_002691.4 (MANE Select); coding-DNA position 3153, C replaced by G.
Protein change: p.Phe1051Leu; replaces phenylalanine 1051 with leucine.
Molecular consequence: missense variant. On other transcripts: non-coding transcript variant (1).
Genome position (GRCh38, 1-based): chr19:50,417,204, C>G. VCF-style: chr19-50417204-C-G. GRCh37 (hg19) VCF-style: chr19-50920461-C-G.
Other names: c.3153C>G, p.Phe1051Leu (NM_001256849.1); c.3231C>G, p.Phe1077Leu (NM_001308632.1); short protein forms F1051L, F1077L.
Identifiers: ClinVar variation 851697 (VCV000851697.13), dbSNP rs951661619, ClinGen allele CA309605616.